The following is an entry in ClinVar:

ClinVar aggregate classification (germline): Benign/Likely benign. Review status: criteria provided, multiple submitters, no conflicts (2 of 4 stars). 2 submissions from 2 submitters: Benign (1); Likely benign (1). Last evaluated 2026-06-15.

Conditions:
Familial cancer of breast. Also called: hereditary breast carcinoma; BREAST CANCER, FAMILIAL; Hereditary breast cancer. Identifiers: Orphanet 227535, MedGen C0346153, MONDO:0016419, OMIM 114480. Disease mechanism: loss of function.
Hereditary cancer-predisposing syndrome. Also called: Tumor predisposition; Hereditary Cancer Syndrome; Hereditary neoplastic syndrome; Neoplastic Syndromes, Hereditary. Identifiers: Orphanet 140162, MedGen C0027672, MeSH D009386, MONDO:0015356.

Submissions (2):

Ambry Genetics
Classification: Likely benign for Hereditary cancer-predisposing syndrome. Last evaluated: 2026-06-15. Review status: criteria provided, single submitter. Criteria: Ambry Variant Classification Scheme 2023. Collection method: clinical testing. Allele origin: germline.

Myriad Genetics, Inc.
Classification: Benign for Familial cancer of breast. Last evaluated: 2024-06-18. Review status: criteria provided, single submitter. Criteria: Myriad Autosomal Dominant, Autosomal Recessive and X-Linked Classification Criteria (2023). Collection method: clinical testing. Allele origin: unknown.
Comment: This variant is considered benign. This variant is a silent/synonymous amino acid change and it is not expected to impact splicing.

NM_000051.4(ATM):c.8196C>T (p.Phe2732=)

Genes: ATM (ATM serine/threonine kinase; plus strand), C11orf65 (chromosome 11 open reading frame 65; minus strand). Cytogenetic location: 11q22.3.
Variant type: single nucleotide variant.
Coding change: c.8196C>T on transcript NM_000051.4 (MANE Select); coding-DNA position 8196, C replaced by T.
Protein change: p.Phe2732=; no amino-acid change (phenylalanine 2732 retained).
Molecular consequence: synonymous variant. On other transcripts: intron variant (2).
Genome position (GRCh38, 1-based): chr11:108,335,889, C>T. VCF-style: chr11-108335889-C-T. GRCh37 (hg19) VCF-style: chr11-108206616-C-T.
Other names: c.8196C>T, p.Phe2732= (NM_001351834.2); c.641-26818G>A (NM_001330368.2); c.695-597G>A (NM_001351110.2).
Identifiers: ClinVar variation 3253836 (VCV003253836.2), dbSNP rs1183442138.